The following is an entry in ClinVar:

ClinVar aggregate classification (germline): Benign/Likely benign. Review status: criteria provided, multiple submitters, no conflicts (2 of 4 stars). 8 submissions from 8 submitters: Benign (3); Likely benign (4). 1 of the submissions does not count toward it. Last evaluated 2025-06-16.

Conditions:
Autosomal dominant polycystic kidney disease. Identifiers: Orphanet 730, MedGen C0085413, MONDO:0004691.
Polycystic kidney disease, adult type (PKD1). Also called: POLYCYSTIC KIDNEY DISEASE, ADULT, TYPE I; Polycystic Kidney Disease 1, Autosomal Dominant; Polycystic kidney disease 1; Polycystic kidney disease 1, severe; POLYCYSTIC KIDNEY DISEASE 1 WITH OR WITHOUT POLYCYSTIC LIVER DISEASE; Polycystic Kidney, Autosomal Dominant. Identifiers: MedGen C3149841, MONDO:0008263, OMIM 173900.
Polycystic kidney disease. Also called: Kidney, Polycystic; Polycystic kidney dysplasia. Identifiers: MedGen C0022680, MeSH D007690, MONDO:0020642, HP:0000113.

Allele frequency attached by ClinVar (database versions not stated): gnomAD exomes 0.00259; ExAC 0.00324; gnomAD 0.00926 and 0.00989; ESP Exome Variant Server 0.01070; 1000 Genomes Project 0.01078; TOPMed 0.01099; 1000 Genomes Project 30x 0.01109.
gnomAD v4.1: 3,004 of 1,609,580 alleles (0.19%); highest among the groups gnomAD compares: African/African-American, 3.3%; 52 homozygotes.

Submissions (8):

Women's Health and Genetics/Laboratory Corporation of America, LabCorp
Classification: Likely benign. Last evaluated: 2025-06-16. Review status: criteria provided, single submitter. Criteria: LabCorp Variant Classification Summary - May 2015. Collection method: clinical testing. Allele origin: germline.

Mayo Clinic Laboratories, Mayo Clinic
Classification: Benign. Last evaluated: 2022-12-01. Review status: criteria provided, single submitter. Criteria: ACMG Guidelines, 2015. Collection method: clinical testing. Allele origin: germline. Observed: 11 variant alleles.
Comment: BS1, BS2, BP4

GeneDx
Classification: Benign. Last evaluated: 2020-02-13. Review status: criteria provided, single submitter. Criteria: GeneDx Variant Classification Process June 2021. Collection method: clinical testing. Allele origin: germline. Affected: yes.
Comment: This variant is associated with the following publications: (PMID: 22008521)

ARUP Laboratories, Molecular Genetics and Genomics, ARUP Laboratories
Classification: Benign for Polycystic kidney disease, adult type. Last evaluated: 2019-11-02. Review status: criteria provided, single submitter. Criteria: ARUP Molecular Germline Variant Investigation Process. Collection method: clinical testing. Allele origin: germline.

Molecular Genetics of Inherited Kidney Disorders Laboratory, Garvan Institute of Medical Research
Classification: Likely benign for Autosomal dominant polycystic kidney disease. Last evaluated: 2019-01-01. Review status: criteria provided, single submitter. Criteria: ACMG Guidelines, 2015. Collection method: research. Allele origin: germline. Affected: yes.

Breakthrough Genomics
Classification: Likely benign. Review status: criteria provided, single submitter. Criteria: ACMG Guidelines, 2015. Collection method: not provided. Allele origin: germline. Inheritance: Autosomal dominant inheritance. Affected: yes.

PreventionGenetics, part of Exact Sciences
Classification: Likely benign. Review status: criteria provided, single submitter. Criteria: ACMG Guidelines, 2015. Collection method: clinical testing. Allele origin: germline.

Department of Pathology and Laboratory Medicine, Sinai Health System
Classification: Likely benign for Polycystic Kidney disease. Review status: no assertion criteria provided. Collection method: clinical testing. Allele origin: unknown. Affected: yes. Observed: 2 variant alleles. Study: The Canadian Open Genetics Repository (COGR). Not counted in ClinVar's aggregate classification.
Comment: The PKD1 p.Ser1684Leu variant was identified in 2 of 534 proband chromosomes (frequency: 0.0037) from individuals or families with (Bataille 2011, Rossetti 2012). The variant was also identified in dbSNP (ID: rs139520275) â€šÃ„Ãºwith likely benign allele,â€šÃ„Ã¹ ClinVar (as likely benign by Prevention Genetics), and ADPKD Mutation Database (4x as likely neutral, found with a truncating mutation). The variant was not identified in GeneInsight-COGR, LOVD 3.0, PKD1-LOVD, databases. The variant was identified in control databases in 901 of 269958 chromosomes at a frequency of 0.003338 increasing the likelihood this could be a low frequency benign variant (Genome Aggregation Consortium Feb 27, 2017). The variant was identified in the following populations at a frequency greater than 1%: African in 807 of 23162 chromosomes (freq: 0.035). In addition we cannot be certain that data from control databases is specific to PKD1 and not from one of the six PKD1 pseudogenes. Bataille (2011) classify the variant as a polymorphism. The p.Ser1684Leu residue is conserved in mammals and computational analyses (PolyPhen-2, SIFT, AlignGVGD, BLOSUM, MutationTaster) provide inconsistent predictions regarding the impact to the protein; this information is not very predictive of pathogenicity. The variant occurs outside of the splicing consensus sequence and in silico or computational prediction software programs (SpliceSiteFinder, MaxEntScan, NNSPLICE, GeneSplicer, HumanSpliceFinder) do not predict a difference in splicing. The variant is located with the PKD domain Polycystin cation channel PKD/Chitinase domain functional domains, but this is also uninformative. In summary, based on the above information the clinical significance of this variant cannot be determined with certainty at this time although we would lean towards a more benign role for this variant. This variant is classified as likely benign.

NM_001009944.3(PKD1):c.5051C>T (p.Ser1684Leu)

Gene: PKD1 (polycystin 1, transient receptor potential channel interacting; minus strand). Cytogenetic location: 16p13.3.
Variant type: single nucleotide variant.
Coding change: c.5051C>T on transcript NM_001009944.3 (MANE Select); coding-DNA position 5051, C replaced by T.
Protein change: p.Ser1684Leu; replaces serine 1684 with leucine.
Molecular consequence: missense variant.
Genome position (GRCh38, 1-based): chr16:2,110,116, G>A on the plus strand (C>T on the coding strand, the complement: PKD1 is on the minus strand). VCF-style: chr16-2110116-G-A. GRCh37 (hg19) VCF-style: chr16-2160117-G-A.
Other names: c.5051C>T, p.Ser1684Leu (NM_000296.4); short protein forms S1684L.
Identifiers: ClinVar variation 256972 (VCV000256972.18), dbSNP rs139520275, ClinGen allele CA7832145.
Genomic context (GRCh38, chr16:2,110,116, plus strand): 5'-CCCAGCATGTTGGTGGCCCGCAGCTGCACATGGTAGGTGCCGGCCTCGAGCACGGTGAGC[G>A]AGAAGCCTTTGCCGCTGCCGGCCAGGGCCGGGCCCCTGTCCCTCCAGGCAGTCCAGCTGT-3'
Protein context (NP_001009944.3, residues 1674-1694): PALAGSGKGF[Ser1684Leu]LTVLEAGTYH